The following is an entry in ClinVar:

NM_138713.4(NFAT5):c.4523T>G (p.Leu1508Arg)

Gene: NFAT5 (nuclear factor of activated T cells 5; plus strand). Cytogenetic location: 16q22.1.
Variant type: single nucleotide variant.
Coding change: c.4523T>G on transcript NM_138713.4 (MANE Select); coding-DNA position 4523, T replaced by G.
Protein change: p.Leu1508Arg; replaces leucine 1508 with arginine.
Molecular consequence: missense variant.
Genome position (GRCh38, 1-based): chr16:69,695,244, T>G. VCF-style: chr16-69695244-T-G. GRCh37 (hg19) VCF-style: chr16-69729147-T-G.
Other names: c.4520T>G, p.Leu1507Arg (NM_001113178.3); c.3848T>G, p.Leu1283Arg (NM_001367709.1); c.4469T>G, p.Leu1490Arg (NM_006599.4); c.4241T>G, p.Leu1414Arg (NM_138714.4, NM_173214.3, NM_173215.3); c.4523T>G (NM_138713.3); short protein forms L1414R, L1508R, L1507R, L1490R, L1283R.
Identifiers: ClinVar variation 966996 (VCV000966996.10), dbSNP rs1249418195, ClinGen allele CA396515999.
Genomic context (GRCh38, chr16:69,695,244, plus strand): 5'-TGATGGCCATAAGTCAGCCAGGCCAACCACAAAACGAGGGCCAGCCACCTGTGACAACAC[T>G]TCTTTCTCAGCAAATGCCAGAGAATTCTCCACTGGCATCCTCTATAAACACCAACCAGAA-3'
Protein context (NP_619727.2, residues 1498-1518): QNEGQPPVTT[Leu1508Arg]LSQQMPENSP

ClinVar aggregate classification (germline): Uncertain significance. Review status: criteria provided, multiple submitters, no conflicts (2 of 4 stars). 2 submissions from 2 submitters: Uncertain significance (2). Last evaluated 2024-01-29.

Conditions:
Immunodeficiency. Identifiers: MedGen C0021051, MONDO:0021094, HP:0002721.

Allele frequency attached by ClinVar (database versions not stated): gnomAD exomes below 0.00001; TOPMed below 0.00001.
gnomAD v4.1: 3 of 1,614,178 alleles (0.00019%); highest among the groups gnomAD compares: East Asian, 0.0022%; no homozygotes.

Submissions (2):

Ambry Genetics
Classification: Uncertain significance. Last evaluated: 2024-01-29. Review status: criteria provided, single submitter. Criteria: Ambry Variant Classification Scheme 2023. Collection method: clinical testing. Allele origin: germline.

Labcorp Genetics (formerly Invitae), Labcorp
Classification: Uncertain significance for Immunodeficiency. Last evaluated: 2021-01-28. Review status: criteria provided, single submitter. Criteria: Invitae Variant Classification Sherloc (09022015). Collection method: clinical testing. Allele origin: germline.
Comment: In summary, the available evidence is currently insufficient to determine the role of this variant in disease. Therefore, it has been classified as a Variant of Uncertain Significance. Algorithms developed to predict the effect of missense changes on protein structure and function are either unavailable or do not agree on the potential impact of this missense change (SIFT: "Deleterious"; PolyPhen-2: "Probably Damaging"; Align-GVGD: "Class C0"). This variant has not been reported in the literature in individuals with NFAT5-related conditions. This variant is not present in population databases (ExAC no frequency). This sequence change replaces leucine with arginine at codon 1414 of the NFAT5 protein (p.Leu1414Arg). The leucine residue is moderately conserved and there is a moderate physicochemical difference between leucine and arginine.